The following is an entry in ClinVar:

ClinVar aggregate classification (germline): Uncertain significance (1 of 4 stars; one submission).

gnomAD v4.1: 5 of 1,593,490 alleles (0.00031%); highest among the groups gnomAD compares: South Asian, 0.0057%; no homozygotes.

Submission:

Labcorp Genetics (formerly Invitae), Labcorp
Classification: Uncertain significance. Last evaluated: 2025-12-25. Review status: criteria provided, single submitter. Criteria: Invitae Variant Classification Sherloc (09022015). Collection method: clinical testing. Allele origin: germline.
Comment: This sequence change replaces serine, which is neutral and polar, with asparagine, which is neutral and polar, at codon 49 of the PCLO protein (p.Ser49Asn). The frequency data for this variant in the population databases is considered unreliable, as metrics indicate poor data quality at this position in the gnomAD database. This variant has not been reported in the literature in individuals affected with PCLO-related conditions. Experimental studies and prediction algorithms are not available or were not evaluated, and the functional significance of this variant is currently unknown. In summary, the available evidence is currently insufficient to determine the role of this variant in disease. Therefore, it has been classified as a Variant of Uncertain Significance.

NM_033026.6(PCLO):c.146G>A (p.Ser49Asn)

Gene: PCLO (piccolo presynaptic cytomatrix protein; minus strand). Cytogenetic location: 7q21.11.
Variant type: single nucleotide variant.
Coding change: c.146G>A on transcript NM_033026.6 (MANE Select); coding-DNA position 146, G replaced by A.
Protein change: p.Ser49Asn; replaces serine 49 with asparagine.
Molecular consequence: missense variant.
Genome position (GRCh38, 1-based): chr7:83,162,447, C>T on the plus strand (G>A on the coding strand, the complement: PCLO is on the minus strand). VCF-style: chr7-83162447-C-T. GRCh37 (hg19) VCF-style: chr7-82791763-C-T.
Other names: c.146G>A, p.Ser49Asn (NM_014510.3); short protein forms S49N.
Identifiers: ClinVar variation 4691839 (VCV004691839.1).